The following is an entry in ClinVar:

ClinVar aggregate classification (germline): Likely benign (1 of 4 stars; one submission).

Allele frequency attached by ClinVar (database versions not stated): ExAC 0.00007; gnomAD 0.00011.
gnomAD v4.1: 308 of 1,170,722 alleles (0.026%); highest among the groups gnomAD compares: Non-Finnish European, 0.032%; 58 homozygotes.

Submission:

CeGaT Center for Human Genetics Tuebingen
Classification: Likely benign. Last evaluated: 2022-07-01. Review status: criteria provided, single submitter. Criteria: CeGaT Center For Human Genetics Tuebingen Variant Classification Criteria Version 2. Collection method: clinical testing. Allele origin: germline. Affected: yes. Observed: 1 variant allele.
Comment: HLA-B: BP4, BP7

NM_005514.8(HLA-B):c.975T>C (p.Ala325=)

Gene: HLA-B (major histocompatibility complex, class I, B; minus strand). Cytogenetic location: 6p21.33.
Variant type: single nucleotide variant.
Coding change: c.975T>C on transcript NM_005514.8 (MANE Select); coding-DNA position 975, T replaced by C.
Protein change: p.Ala325=; no amino-acid change (alanine 325 retained).
Molecular consequence: synonymous variant.
Genome position (GRCh38, 1-based): chr6:31,355,144, A>G on the plus strand (T>C on the coding strand, the complement: HLA-B is on the minus strand). VCF-style: chr6-31355144-A-G. GRCh37 (hg19) VCF-style: chr6-31322921-A-G.
Identifiers: ClinVar variation 2656391 (VCV002656391.24), dbSNP rs753723124, ClinGen allele CA3711264.